The following is an entry in ClinVar:

ClinVar aggregate classification (germline): Likely pathogenic. Review status: criteria provided, multiple submitters, no conflicts (2 of 4 stars). 2 submissions from 2 submitters: Likely pathogenic (2). Last evaluated 2022-11-15.

Conditions:
Primary dilated cardiomyopathy (DCM). Also called: Dilated Cardiomyopathy. Identifiers: Orphanet 217604, MedGen C0007193, MeSH D002311, MONDO:0005021, HP:0001644. Inheritance: Various modes of inheritance.

Submissions (2):

GeneDx
Classification: Likely pathogenic. Last evaluated: 2022-11-15. Review status: criteria provided, single submitter. Criteria: GeneDx Variant Classification Process June 2021. Collection method: clinical testing. Allele origin: germline. Affected: yes.
Comment: Reported in a patient with DCM in the published literature (Al-Shafai et al., 2021); Not observed at significant frequency in large population cohorts (gnomAD); Located in a region of TTN within the I-band in which the majority of loss of function variants are significantly associated with autosomal dominant titinopathies (Deo et al., 2016; Schafer et al., 2017); This variant is associated with the following publications: (PMID: 27625338, 27869827, 34137518)

Genetics and Genomics Program, Sidra Medicine
Classification: Likely pathogenic for Primary dilated cardiomyopathy. Review status: criteria provided, single submitter. Criteria: ACMG Guidelines, 2015. Collection method: research. Allele origin: unknown. Affected: yes. Observed: 1 variant allele.

NM_001267550.2(TTN):c.40608del (p.Lys13536fs)

Gene: TTN (titin; minus strand). Cytogenetic location: 2q31.2.
Variant type: Deletion.
Coding change: c.40608del on transcript NM_001267550.2 (MANE Select); coding-DNA position 40608, one base deleted (A; older notation c.40608delA).
Protein change: p.Lys13536fs; shifts the reading frame from lysine 13536.
Molecular consequence: frameshift variant.
Genome position (GRCh38, 1-based): chr2:178,641,266, T deleted on the plus strand (A on the coding strand, the reverse complement: TTN is on the minus strand); the first of 6 consecutive T bases (chr2:178,641,266-178,641,271); deleting any one gives the same sequence. VCF-style (leftmost placement, unchanged base first): chr2-178641265-GT-G. GRCh37 (hg19) VCF-style: chr2-179505992-GT-G.
Other names: c.35685del, p.Lys11895fs (NM_001256850.1); c.13413del, p.Lys4471fs (NM_003319.4); c.32904del, p.Lys10968fs (NM_133378.4); c.13788del, p.Lys4596fs (NM_133432.3); c.13989del, p.Lys4663fs (NM_133437.4); c.35685delA (NM_001256850.1); c.40608del (NM_001267550.1); short protein forms K10968fs, K11895fs, K13536fs, K4471fs, K4596fs, K4663fs.
Identifiers: ClinVar variation 978762 (VCV000978762.2), dbSNP rs1284446305, ClinGen allele CA538092043.